The following is an entry in ClinVar:

NM_022124.6(CDH23):c.259G>T (p.Val87Leu)

Genes: CDH23 (cadherin related 23; plus strand), CDH23-AS1 (CDH23 antisense RNA 1; minus strand). Cytogenetic location: 10q22.1.
Variant type: single nucleotide variant.
Coding change: c.259G>T on transcript NM_022124.6 (MANE Select); coding-DNA position 259, G replaced by T.
Protein change: p.Val87Leu; replaces valine 87 with leucine.
Molecular consequence: missense variant.
Genome position (GRCh38, 1-based): chr10:71,510,195, G>T. VCF-style: chr10-71510195-G-T. GRCh37 (hg19) VCF-style: chr10-73269952-G-T.
Other names: c.259G>T, p.Val87Leu (NM_001171930.2, NM_001171931.2, NM_001171932.2 and 1 more transcripts); short protein forms V87L.
Identifiers: ClinVar variation 497239 (VCV000497239.15), dbSNP rs759917997, ClinGen allele CA5543335.
Genomic context (GRCh38, chr10:71,510,195, plus strand): 5'-TTTGGCGTGTCTGGGGAGGAGGCCTCTCGCTTCTTTGCAGTGGAGCCTGACACTGGCGTG[G>T]TGTGGCTCCGGCAGCCACTGGACAGAGAGGTATGACTTGCCCATACCCCTGCCCCAATTC-3'
Protein context (NP_071407.4, residues 77-97): FFAVEPDTGV[Val87Leu]WLRQPLDRET

ClinVar aggregate classification (germline): Uncertain significance. Review status: criteria provided, multiple submitters, no conflicts (2 of 4 stars). 8 submissions from 7 submitters: Uncertain significance (7). 1 of the submissions does not count toward it. Last evaluated 2025-11-07.

Conditions:
Inborn genetic diseases. Identifiers: MedGen C0950123, MeSH D030342.
Usher syndrome type 1 (USH1). Also called: RETINITIS PIGMENTOSA AND CONGENITAL DEAFNESS. Identifiers: Orphanet 231169, Orphanet 886, MedGen C1568247, MONDO:0010168, OMIM 276900.
Usher syndrome type 1D (USH1D). Also called: USHER SYNDROME, TYPE ID. Identifiers: Orphanet 231169, Orphanet 886, MedGen C1832845, MONDO:0010984, OMIM 601067.
Autosomal recessive nonsyndromic hearing loss 12. Also called: DEAFNESS, AUTOSOMAL RECESSIVE 12. Identifiers: Orphanet 90636, MedGen C1832394, MONDO:0011067, OMIM 601386.

Allele frequency attached by ClinVar (database versions not stated): gnomAD 0.00001; gnomAD exomes 0.00001; ExAC 0.00002; TOPMed 0.00003.
gnomAD v4.1: 49 of 1,613,784 alleles (0.003%); highest among the groups gnomAD compares: Non-Finnish European, 0.004%; no homozygotes.

Submissions (8):

Ambry Genetics
Classification: Uncertain significance for Inborn genetic diseases. Last evaluated: 2025-11-07. Review status: criteria provided, single submitter. Criteria: Ambry Variant Classification Scheme 2023. Collection method: clinical testing. Allele origin: germline.

GeneDx
Classification: Uncertain significance. Last evaluated: 2024-12-20. Review status: criteria provided, single submitter. Criteria: GeneDx Variant Classification Process June 2021. Collection method: clinical testing. Allele origin: germline. Affected: yes.
Comment: Not observed at significant frequency in large population cohorts (gnomAD); In silico analysis indicates that this missense variant does not alter protein structure/function; Has not been previously published as pathogenic or benign to our knowledge

Labcorp Genetics (formerly Invitae), Labcorp
Classification: Uncertain significance. Last evaluated: 2022-04-30. Review status: criteria provided, single submitter. Criteria: Invitae Variant Classification Sherloc (09022015). Collection method: clinical testing. Allele origin: germline.
Comment: This sequence change replaces valine, which is neutral and non-polar, with leucine, which is neutral and non-polar, at codon 87 of the CDH23 protein (p.Val87Leu). This variant is present in population databases (rs759917997, gnomAD 0.003%). This variant has not been reported in the literature in individuals affected with CDH23-related conditions. ClinVar contains an entry for this variant (Variation ID: 497239). Algorithms developed to predict the effect of missense changes on protein structure and function are either unavailable or do not agree on the potential impact of this missense change (SIFT: "Tolerated"; PolyPhen-2: "Not Available"; Align-GVGD: "Class C0"). In summary, the available evidence is currently insufficient to determine the role of this variant in disease. Therefore, it has been classified as a Variant of Uncertain Significance.

Illumina Laboratory Services, Illumina
Classification: Uncertain significance for Usher syndrome type 1D. Last evaluated: 2018-01-13. Review status: criteria provided, single submitter. Criteria: ICSL Variant Classification Criteria 13 December 2019. Collection method: clinical testing. Allele origin: germline.

Illumina Laboratory Services, Illumina
Classification: Uncertain significance for Autosomal recessive nonsyndromic hearing loss 12. Last evaluated: 2018-01-13. Review status: criteria provided, single submitter. Criteria: ICSL Variant Classification Criteria 13 December 2019. Collection method: clinical testing. Allele origin: germline.

Laboratory for Molecular Medicine, Mass General Brigham Personalized Medicine
Classification: Uncertain significance. Last evaluated: 2017-06-23. Review status: criteria provided, single submitter. Criteria: LMM Criteria. Collection method: clinical testing. Allele origin: germline. Observed: 2 variant alleles.
Comment: The p.Val87Leu variant in CDH23 has not been previously reported in individuals with hearing loss or Usher syndrome, but has been identified in 0.04% (4/126518) of European chromosomes by the Genome Aggregation Database (gnomAD; dbSNP rs759917997). Although this variant has been seen i n the general population, its frequency is not high enough to rule out a pathoge nic role. Computational prediction tools and conservation analyses do not provid e strong support for or against an impact to the protein. In summary, the clinic al significance of the p.Val87Leu variant is uncertain.

Eurofins Ntd Llc (ga)
Classification: Uncertain significance. Last evaluated: 2016-09-28. Review status: criteria provided, single submitter. Criteria: EGL Classification Definitions 2015. Collection method: clinical testing. Allele origin: germline. Observed: 1 variant allele, 1 heterozygote.

Natera, Inc.
Classification: Uncertain significance for Usher syndrome type 1. Last evaluated: 2020-02-28. Review status: no assertion criteria provided. Collection method: clinical testing. Allele origin: germline. Not counted in ClinVar's aggregate classification.